The following is an entry in ClinVar:

NM_000302.4(PLOD1):c.1180C>T (p.Arg394Trp)

Gene: PLOD1 (procollagen-lysine,2-oxoglutarate 5-dioxygenase 1; plus strand). Cytogenetic location: 1p36.22.
Variant type: single nucleotide variant.
Coding change: c.1180C>T on transcript NM_000302.4 (MANE Select); coding-DNA position 1180, C replaced by T.
Protein change: p.Arg394Trp; replaces arginine 394 with tryptophan.
Molecular consequence: missense variant.
Genome position (GRCh38, 1-based): chr1:11,963,614, C>T. VCF-style: chr1-11963614-C-T. GRCh37 (hg19) VCF-style: chr1-12023671-C-T.
Other names: c.1321C>T, p.Arg441Trp (NM_001316320.2); short protein forms R394W, R441W.
Identifiers: ClinVar variation 664014 (VCV000664014.7), dbSNP rs1428519006, ClinGen allele CA338440328.

ClinVar aggregate classification (germline): Uncertain significance (1 of 4 stars; one submission).

Conditions:
Ehlers-Danlos syndrome, kyphoscoliotic type 1 (EDSKSCL1). Also called: PLOD1-Related Kyphoscoliotic Ehlers-Danlos Syndrome; EHLERS-DANLOS SYNDROME, TYPE VIA; EHLERS-DANLOS SYNDROME, OCULAR-SCOLIOTIC TYPE; Ehlers-Danlos syndrome, hydroxylysine-deficient. Identifiers: Orphanet 1900, MedGen C0268342, MONDO:0016002, OMIM 225400. Disease mechanism: loss of function.

Allele frequency attached by ClinVar (database versions not stated): TOPMed below 0.00001; gnomAD exomes 0.00001.

Submission:

Labcorp Genetics (formerly Invitae), Labcorp
Classification: Uncertain significance for Ehlers-Danlos syndrome, kyphoscoliotic type 1. Last evaluated: 2018-10-31. Review status: criteria provided, single submitter. Criteria: Invitae Variant Classification Sherloc (09022015). Collection method: clinical testing. Allele origin: germline.
Comment: This sequence change replaces arginine with tryptophan at codon 394 of the PLOD1 protein (p.Arg394Trp). The arginine residue is highly conserved and there is a moderate physicochemical difference between arginine and tryptophan. In summary, the available evidence is currently insufficient to determine the role of this variant in disease. Therefore, it has been classified as a Variant of Uncertain Significance. Algorithms developed to predict the effect of missense changes on protein structure and function are either unavailable or do not agree on the potential impact of this missense change (SIFT: "Deleterious"; PolyPhen-2: "Benign"; Align-GVGD: "Class C25"). This variant has not been reported in the literature in individuals with PLOD1-related disease. This variant is not present in population databases (ExAC no frequency).